The following is an entry in ClinVar:

ClinVar aggregate classification (germline): Benign (1 of 4 stars; one submission).

Conditions:
Isolated focal non-epidermolytic palmoplantar keratoderma. Also called: Palmoplantar keratoderma, nonepidermolytic, focal 2. Identifiers: Orphanet 448264, MedGen C4225339, MONDO:0014622, OMIM 616400.

Allele frequency attached by ClinVar (database versions not stated): gnomAD 0.00001; ExAC 0.00008.
gnomAD v4.1: 25 of 1,613,380 alleles (0.0015%); highest among the groups gnomAD compares: South Asian, 0.015%; no homozygotes.

Submission:

Illumina Laboratory Services, Illumina
Classification: Benign for Isolated focal non-epidermolytic palmoplantar keratoderma. Last evaluated: 2018-01-13. Review status: criteria provided, single submitter. Criteria: ICSL Variant Classification Criteria 13 December 2019. Collection method: clinical testing. Allele origin: germline.
Comment: This variant was observed in the ICSL laboratory as part of a predisposition screen in an ostensibly healthy population. It had not been previously curated by ICSL or reported in the Human Gene Mutation Database (HGMD: prior to June 1st, 2018), and was therefore a candidate for classification through an automated scoring system. Utilizing variant allele frequency, disease prevalence and penetrance estimates, and inheritance mode, an automated score was calculated to assess if this variant is too frequent to cause the disease. Based on the score and internal cut-off values, a variant classified as benign is not then subjected to further curation. The score for this variant resulted in a classification of benign for this disease.

NM_145068.4(TRPV3):c.1427C>T (p.Thr476Met)

Gene: TRPV3 (transient receptor potential cation channel subfamily V member 3; minus strand). Cytogenetic location: 17p13.2.
Variant type: single nucleotide variant.
Coding change: c.1427C>T on transcript NM_145068.4 (MANE Select); coding-DNA position 1427, C replaced by T.
Protein change: p.Thr476Met; replaces threonine 476 with methionine.
Molecular consequence: missense variant.
Genome position (GRCh38, 1-based): chr17:3,528,101, G>A on the plus strand (C>T on the coding strand, the complement: TRPV3 is on the minus strand). VCF-style: chr17-3528101-G-A. GRCh37 (hg19) VCF-style: chr17-3431395-G-A.
Other names: c.1427C>T, p.Thr476Met (NM_001258205.2); short protein forms T476M.
Identifiers: ClinVar variation 888890 (VCV000888890.4), dbSNP rs766631634, ClinGen allele CA8289463.